The following is an entry in ClinVar:

NM_133497.4(KCNV2):c.41G>A (p.Arg14Lys)

Gene: KCNV2 (potassium voltage-gated channel modifier subfamily V member 2; plus strand). Cytogenetic location: 9p24.2.
Variant type: single nucleotide variant.
Coding change: c.41G>A on transcript NM_133497.4 (MANE Select); coding-DNA position 41, G replaced by A.
Protein change: p.Arg14Lys; replaces arginine 14 with lysine.
Molecular consequence: missense variant.
Genome position (GRCh38, 1-based): chr9:2,717,780, G>A. VCF-style: chr9-2717780-G-A. GRCh37 (hg19) VCF-style: chr9-2717780-G-A.
Other names: short protein forms R14K.
Identifiers: ClinVar variation 954272 (VCV000954272.8), dbSNP rs748032810, ClinGen allele CA187970128.

ClinVar aggregate classification (germline): Conflicting classifications of pathogenicity. Review status: criteria provided, conflicting classifications (1 of 4 stars). 3 submissions from 3 submitters: Uncertain significance (2); Likely benign (1). Last evaluated 2022-07-06.

Conditions:
Inborn genetic diseases. Identifiers: MedGen C0950123, MeSH D030342.

Allele frequency attached by ClinVar (database versions not stated): gnomAD 0.00002; gnomAD exomes 0.00003 and 0.00004; TOPMed 0.00003.

Submissions (3):

Labcorp Genetics (formerly Invitae), Labcorp
Classification: Uncertain significance. Last evaluated: 2022-07-06. Review status: criteria provided, single submitter. Criteria: Invitae Variant Classification Sherloc (09022015). Collection method: clinical testing. Allele origin: germline.
Comment: This sequence change replaces arginine, which is basic and polar, with lysine, which is basic and polar, at codon 14 of the KCNV2 protein (p.Arg14Lys). This variant is present in population databases (rs748032810, gnomAD 0.02%). This variant has not been reported in the literature in individuals affected with KCNV2-related conditions. ClinVar contains an entry for this variant (Variation ID: 954272). Algorithms developed to predict the effect of missense changes on protein structure and function output the following: SIFT: "Tolerated"; PolyPhen-2: "Benign"; Align-GVGD: "Class C0". The lysine amino acid residue is found in multiple mammalian species, which suggests that this missense change does not adversely affect protein function. In summary, the available evidence is currently insufficient to determine the role of this variant in disease. Therefore, it has been classified as a Variant of Uncertain Significance.

Blueprint Genetics
Classification: Uncertain significance. Last evaluated: 2022-01-27. Review status: criteria provided, single submitter. Criteria: ACMG Guidelines, 2015. Collection method: clinical testing. Allele origin: germline.

Ambry Genetics
Classification: Likely benign for Inborn genetic diseases. Last evaluated: 2021-06-21. Review status: criteria provided, single submitter. Criteria: Ambry Variant Classification Scheme 2023. Collection method: clinical testing. Allele origin: germline.